The following is an entry in ClinVar:

NM_001041.4(SI):c.1797G>T (p.Ala599=)

Gene: SI (sucrase-isomaltase; minus strand). Cytogenetic location: 3q26.1.
Variant type: single nucleotide variant.
Coding change: c.1797G>T on transcript NM_001041.4 (MANE Select); coding-DNA position 1797, G replaced by T.
Protein change: p.Ala599=; no amino-acid change (alanine 599 retained).
Molecular consequence: synonymous variant.
Genome position (GRCh38, 1-based): chr3:165,046,931, C>A on the plus strand (G>T on the coding strand, the complement: SI is on the minus strand). VCF-style: chr3-165046931-C-A. GRCh37 (hg19) VCF-style: chr3-164764719-C-A.
Other names: p.Ala599=.
Identifiers: ClinVar variation 344048 (VCV000344048.23), dbSNP rs9838509, ClinGen allele CA2690941.
Genomic context (GRCh38, chr3:165,046,931, plus strand): 5'-CATTCCAGTTATAGACCATTCCATTTGTTCCCATGAAGCAGTATTGTCTCCTAACCAATG[C>A]GCAGCATGTCTTCCAGATCCAGCAAATGTTGAGCGGGTAAGAATGAAGCTTCTCTTATTA-3'
Protein context (NP_001032.2, residues 589-609): STFAGSGRHA[Ala599=]HWLGDNTASW

ClinVar aggregate classification (germline): Benign/Likely benign. Review status: criteria provided, multiple submitters, no conflicts (2 of 4 stars). 8 submissions from 8 submitters: Benign (5); Likely benign (1). 2 of the submissions do not count toward it. Last evaluated 2026-02-04.

Conditions:
Sucrase-isomaltase deficiency (CSID). Also called: Congenital sucrose isomaltose malabsorption; Sucrose isomaltose enzyme deficiency; SI DEFICIENCY; Deficiency of isomaltase. Identifiers: Orphanet 35122, MedGen C1283620, MONDO:0009114, OMIM 222900.

Allele frequency attached by ClinVar (database versions not stated): ESP Exome Variant Server 0.55943; TOPMed 0.57546; gnomAD 0.58296; 1000 Genomes Project 30x 0.60337; 1000 Genomes Project 0.60863.
gnomAD v4.1: 960,579 of 1,611,608 alleles (60%); highest among the groups gnomAD compares: East Asian, 83%; 289,208 homozygotes.

Submissions (8):

Labcorp Genetics (formerly Invitae), Labcorp
Classification: Benign. Last evaluated: 2026-02-04. Review status: criteria provided, single submitter. Criteria: Invitae Variant Classification Sherloc (09022015). Collection method: clinical testing. Allele origin: germline.

Blueprint Genetics
Classification: Likely benign. Last evaluated: 2024-11-26. Review status: criteria provided, single submitter. Criteria: ACMG Guidelines, 2015. Collection method: clinical testing. Allele origin: germline.

Mayo Clinic Laboratories, Mayo Clinic
Classification: Benign. Last evaluated: 2022-09-06. Review status: criteria provided, single submitter. Criteria: ACMG Guidelines, 2015. Collection method: clinical testing. Allele origin: germline. Observed: 76 variant alleles.

Genome-Nilou Lab
Classification: Benign for Sucrase-isomaltase deficiency. Last evaluated: 2021-07-15. Review status: criteria provided, single submitter. Criteria: ACMG Guidelines, 2015. Collection method: clinical testing. Allele origin: germline. Affected: no.

Illumina Laboratory Services, Illumina
Classification: Benign for Sucrase-isomaltase deficiency. Last evaluated: 2018-01-12. Review status: criteria provided, single submitter. Criteria: ICSL Variant Classification Criteria 13 December 2019. Collection method: clinical testing. Allele origin: germline.
Comment: This variant was observed in the ICSL laboratory as part of a predisposition screen in an ostensibly healthy population. It had not been previously curated by ICSL or reported in the Human Gene Mutation Database (HGMD: prior to June 1st, 2018), and was therefore a candidate for classification through an automated scoring system. Utilizing variant allele frequency, disease prevalence and penetrance estimates, and inheritance mode, an automated score was calculated to assess if this variant is too frequent to cause the disease. Based on the score and internal cut-off values, a variant classified as benign is not then subjected to further curation. The score for this variant resulted in a classification of benign for this disease.

Breakthrough Genomics
Classification: Benign. Review status: criteria provided, single submitter. Criteria: ACMG Guidelines, 2015. Collection method: not provided. Allele origin: germline. Inheritance: Autosomal recessive inheritance. Affected: yes.

Diagnostic Laboratory, Department of Genetics, University Medical Center Groningen
Classification: Benign. Review status: no assertion criteria provided. Collection method: clinical testing. Allele origin: germline. Affected: yes. Study: VKGL Data-share Consensus. Not counted in ClinVar's aggregate classification.

Joint Genome Diagnostic Labs from Nijmegen and Maastricht, Radboudumc and MUMC+
Classification: Benign. Review status: no assertion criteria provided. Collection method: clinical testing. Allele origin: germline. Affected: yes. Study: VKGL Data-share Consensus. Not counted in ClinVar's aggregate classification.